The following is an entry in ClinVar:

ClinVar aggregate classification (germline): Likely pathogenic (1 of 4 stars; one submission).

Conditions:
Cerebellar atrophy, developmental delay, and seizures. Identifiers: MedGen C4539985, MONDO:0060551, OMIM 617643.

Submission:

Juno Genomics, Hangzhou Juno Genomics, Inc
Classification: Likely pathogenic for Cerebellar atrophy, developmental delay, and seizures. Review status: criteria provided, single submitter. Criteria: ACMG Guidelines, 2015. Collection method: clinical testing. Allele origin: germline. Affected: yes.
Comment: Absent from controls (or at extremely low frequency if recessive) in Genome Aggregation Database, Exome Sequencing Project, 1000 Genomes Project, or Exome Aggregation Consortium.;Null variant in a gene where loss of function (LOF) is a known mechanism of disease.

NM_001161352.2(KCNMA1):c.2098dup (p.Met700fs)

Gene: KCNMA1 (potassium calcium-activated channel subfamily M alpha 1; minus strand). Cytogenetic location: 10q22.3.
Variant type: Duplication.
Coding change: c.2098dup on transcript NM_001161352.2 (MANE Select); coding-DNA position 2098, one base duplicated (A; older notation c.2098dupA).
Protein change: p.Met700fs; shifts the reading frame from methionine 700.
Molecular consequence: frameshift variant. On other transcripts: intron variant (15).
Genome position (GRCh38, 1-based): chr10:77,001,575, T duplicated on the plus strand (A on the coding strand, the reverse complement: KCNMA1 is on the minus strand). VCF-style (leftmost placement, unchanged base first): chr10-77001574-A-AT. GRCh37 (hg19) VCF-style: chr10-78761332-A-AT.
Other names: c.1942+10392dup (NM_001271518.2); c.2092+10392dup (NM_001322832.2, NM_001410940.1, NM_001437423.1 and 2 more transcripts); c.2101+6610dup (NM_001322829.2, NM_001322836.2, NM_001271519.2); c.2104+10392dup (NM_001014797.3, NM_001322835.2, NM_001322837.2); c.2113+6610dup (NM_001322830.2); c.1552+10392dup (NM_001322838.2); c.2224+10392dup (NM_001437422.1); short protein forms M700fs.
Identifiers: ClinVar variation 4796598 (VCV004796598.1).